The following is an entry in ClinVar:

ClinVar aggregate classification (germline): Uncertain significance (1 of 4 stars; one submission).

Conditions:
Singleton-Merten syndrome 1 (SGMRT1). Also called: Syndrome of widened medullary cavities of the metacarpals and phalanges, aortic calcification and abnormal dentition; Widened medullary cavities of bone, aortic calcification, abnormal dentition, and muscular weakness. Identifiers: Orphanet 85191, MedGen C4225427, MONDO:0024535, OMIM 182250.
Aicardi-Goutieres syndrome 7 (AGS7). Identifiers: Orphanet 51, MedGen C3888244, MONDO:0014367, OMIM 615846.

Allele frequency attached by ClinVar (database versions not stated): gnomAD exomes 0.00002; ExAC 0.00003; gnomAD 0.00001.
gnomAD v4.1: 6 of 1,477,104 alleles (0.00041%); highest among the groups gnomAD compares: Admixed American, 0.0054%; no homozygotes.

Submission:

Labcorp Genetics (formerly Invitae), Labcorp
Classification: Uncertain significance for Aicardi-Goutieres syndrome 7; Singleton-Merten syndrome 1. Last evaluated: 2025-11-03. Review status: criteria provided, single submitter. Criteria: Invitae Variant Classification Sherloc (09022015). Collection method: clinical testing. Allele origin: germline.
Comment: This sequence change replaces methionine, which is neutral and non-polar, with valine, which is neutral and non-polar, at codon 558 of the IFIH1 protein (p.Met558Val). This variant is present in population databases (rs756286361, gnomAD 0.01%). This variant has not been reported in the literature in individuals affected with IFIH1-related conditions. ClinVar contains an entry for this variant (Variation ID: 1475888). Invitae Evidence Modeling of protein sequence and biophysical properties (such as structural, functional, and spatial information, amino acid conservation, physicochemical variation, residue mobility, and thermodynamic stability) has been performed for this missense variant. However, the output from this modeling did not meet the statistical confidence thresholds required to predict the impact of this variant on IFIH1 protein function. In summary, the available evidence is currently insufficient to determine the role of this variant in disease. Therefore, it has been classified as a Variant of Uncertain Significance.

NM_022168.4(IFIH1):c.1672A>G (p.Met558Val)

Gene: IFIH1 (interferon induced with helicase C domain 1; minus strand). Cytogenetic location: 2q24.2.
Variant type: single nucleotide variant.
Coding change: c.1672A>G on transcript NM_022168.4 (MANE Select); coding-DNA position 1672, A replaced by G.
Protein change: p.Met558Val; replaces methionine 558 with valine.
Molecular consequence: missense variant.
Genome position (GRCh38, 1-based): chr2:162,278,298, T>C on the plus strand (A>G on the coding strand, the complement: IFIH1 is on the minus strand). VCF-style: chr2-162278298-T-C. GRCh37 (hg19) VCF-style: chr2-163134808-T-C.
Other names: short protein forms M558V.
Identifiers: ClinVar variation 1475888 (VCV001475888.8), dbSNP rs756286361, ClinGen allele CA1934437.
Genomic context (GRCh38, chr2:162,278,298, plus strand): 5'-AGGGTTGAGTTCCAAAATCTGACATTGGACTCATTTGACAATAAGTTTGAATCCTTGTCA[T>C]TATTTCTAGAAGTTTCTCTTTAAATGGATCCTAAAAATAAAGTACACACTTATTCTTATG-3'
Protein context (NP_071451.2, residues 548-568): DPFKEKLLEI[Met558Val]TRIQTYCQMS